The following is an entry in ClinVar:

ClinVar aggregate classification (germline): Uncertain significance (1 of 4 stars; one submission).

Conditions:
Bethlem myopathy 1A. Also called: Bethlem myopathy 1; Bethlem Muscular Dystrophy; MYOPATHY, BENIGN CONGENITAL, WITH CONTRACTURES. Identifiers: Orphanet 610, MedGen CN029274, MONDO:0024530, OMIM 158810.

Allele frequency attached by ClinVar (database versions not stated): gnomAD 0.00001; gnomAD exomes 0.00001; TOPMed 0.00001; ExAC 0.00003.
gnomAD v4.1: 9 of 1,612,534 alleles (0.00056%); highest among the groups gnomAD compares: Non-Finnish European, 0.00076%; no homozygotes.

Submission:

Labcorp Genetics (formerly Invitae), Labcorp
Classification: Uncertain significance for Bethlem myopathy 1A. Last evaluated: 2023-12-02. Review status: criteria provided, single submitter. Criteria: Invitae Variant Classification Sherloc (09022015). Collection method: clinical testing. Allele origin: germline.
Comment: This sequence change replaces lysine, which is basic and polar, with glutamic acid, which is acidic and polar, at codon 507 of the COL6A2 protein (p.Lys507Glu). This variant is present in population databases (rs750083779, gnomAD 0.004%). This variant has not been reported in the literature in individuals affected with COL6A2-related conditions. An algorithm developed to predict the effect of missense changes on protein structure and function (PolyPhen-2) suggests that this variant is likely to be disruptive. In summary, the available evidence is currently insufficient to determine the role of this variant in disease. Therefore, it has been classified as a Variant of Uncertain Significance.

NM_001849.4(COL6A2):c.1519A>G (p.Lys507Glu)

Gene: COL6A2 (collagen type VI alpha 2 chain; plus strand). Cytogenetic location: 21q22.3.
Variant type: single nucleotide variant.
Coding change: c.1519A>G on transcript NM_001849.4 (MANE Select); coding-DNA position 1519, A replaced by G.
Protein change: p.Lys507Glu; replaces lysine 507 with glutamic acid.
Molecular consequence: missense variant.
Genome position (GRCh38, 1-based): chr21:46,121,616, A>G. VCF-style: chr21-46121616-A-G. GRCh37 (hg19) VCF-style: chr21-47541530-A-G.
Other names: c.1519A>G, p.Lys507Glu (NM_058174.3, NM_058175.3); short protein forms K507E.
Identifiers: ClinVar variation 2729579 (VCV002729579.3), dbSNP rs750083779, ClinGen allele CA10071923.
Genomic context (GRCh38, chr21:46,121,616, plus strand): 5'-GGATCTCGGGGAGACCCCGGTGATGCAGGACCCCGTGGAGACTCAGGACAGCCAGGCCCC[A>G]AGGTACGTGCCCCTCCCCCAGCAGGACGTATTAGGGGTTCGGGGCAGCTGCCTGAGGAGC-3'
Protein context (NP_001840.3, residues 497-517): PRGDSGQPGP[Lys507Glu]GDPGRPGFSY